The following is an entry in ClinVar:

NM_007375.4(TARDBP):c.353A>C (p.Gln118Pro)

Gene: TARDBP (TAR DNA binding protein; plus strand). Cytogenetic location: 1p36.22.
Variant type: single nucleotide variant.
Coding change: c.353A>C on transcript NM_007375.4 (MANE Select); coding-DNA position 353, A replaced by C.
Protein change: p.Gln118Pro; replaces glutamine 118 with proline.
Molecular consequence: missense variant.
Genome position (GRCh38, 1-based): chr1:11,016,958, A>C. VCF-style: chr1-11016958-A-C. GRCh37 (hg19) VCF-style: chr1-11077015-A-C.
Other names: short protein forms Q118P.
Identifiers: ClinVar variation 4783025 (VCV004783025.1).
Genomic context (GRCh38, chr1:11,016,958, plus strand): 5'-GAGCAGTCCAGAAAACATCCGATTTAATAGTGTTGGGTCTCCCATGGAAAACAACCGAAC[A>C]GGACCTGAAAGAGTATTTTAGTACCTTTGGAGAAGTTCTTATGGTGCAGGTAAACTTCGA-3'
Protein context (NP_031401.1, residues 108-128): VLGLPWKTTE[Gln118Pro]DLKEYFSTFG

ClinVar aggregate classification (germline): Uncertain significance (1 of 4 stars; one submission).

Conditions:
Amyotrophic lateral sclerosis type 10 (ALS10). Also called: Amyotrophic lateral sclerosis 10, with or without FTD; AMYOTROPHIC LATERAL SCLEROSIS 10 WITHOUT FRONTOTEMPORAL DEMENTIA AND WITH TDP43 INCLUSIONS; AMYOTROPHIC LATERAL SCLEROSIS 10 WITH OR WITHOUT FRONTOTEMPORAL DEMENTIA AND WITH TDP43 INCLUSIONS; AMYOTROPHIC LATERAL SCLEROSIS 10 WITH OR WITHOUT FRONTOTEMPORAL DEMENTIA; TARDBP-Related Amyotrophic Lateral Sclerosis-Frontotemporal Dementia. Identifiers: Orphanet 275872, Orphanet 803, MedGen C2677565, MONDO:0012790, OMIM 612069.
FRONTOTEMPORAL LOBAR DEGENERATION WITH TDP43 INCLUSIONS, TARDBP-RELATED. Also called: Frontotemporal lobar degeneration, TARDBP-related. Identifiers: MedGen C3150169, OMIM 612069.

Submission:

Labcorp Genetics (formerly Invitae), Labcorp
Classification: Uncertain significance for Amyotrophic lateral sclerosis type 10; FRONTOTEMPORAL LOBAR DEGENERATION WITH TDP43 INCLUSIONS, TARDBP-RELATED. Last evaluated: 2025-07-09. Review status: criteria provided, single submitter. Criteria: Invitae Variant Classification Sherloc (09022015). Collection method: clinical testing. Allele origin: germline.
Comment: This sequence change replaces glutamine, which is neutral and polar, with proline, which is neutral and non-polar, at codon 118 of the TARDBP protein (p.Gln118Pro). This variant is not present in population databases (gnomAD no frequency). This variant has not been reported in the literature in individuals affected with TARDBP-related conditions. Invitae Evidence Modeling of protein sequence and biophysical properties (such as structural, functional, and spatial information, amino acid conservation, physicochemical variation, residue mobility, and thermodynamic stability) indicates that this missense variant is not expected to disrupt TARDBP protein function with a negative predictive value of 80%. In summary, the available evidence is currently insufficient to determine the role of this variant in disease. Therefore, it has been classified as a Variant of Uncertain Significance.